The following is an entry in ClinVar:

NM_001365999.1(SZT2):c.5686C>G (p.Pro1896Ala)

Gene: SZT2 (SZT2 subunit of KICSTOR complex; plus strand). Cytogenetic location: 1p34.2.
Variant type: single nucleotide variant.
Coding change: c.5686C>G on transcript NM_001365999.1 (MANE Select); coding-DNA position 5686, C replaced by G.
Protein change: p.Pro1896Ala; replaces proline 1896 with alanine.
Molecular consequence: missense variant.
Genome position (GRCh38, 1-based): chr1:43,433,072, C>G. VCF-style: chr1-43433072-C-G. GRCh37 (hg19) VCF-style: chr1-43898743-C-G.
Other names: c.5515C>G, p.Pro1839Ala (NM_015284.4); short protein forms P1839A, P1896A.
Identifiers: ClinVar variation 840628 (VCV000840628.7), dbSNP rs758455492, ClinGen allele CA809666.

ClinVar aggregate classification (germline): Uncertain significance (1 of 4 stars; one submission).

Allele frequency attached by ClinVar (database versions not stated): ExAC 0.00002; TOPMed 0.00003.

Submission:

Labcorp Genetics (formerly Invitae), Labcorp
Classification: Uncertain significance. Last evaluated: 2021-08-30. Review status: criteria provided, single submitter. Criteria: Invitae Variant Classification Sherloc (09022015). Collection method: clinical testing. Allele origin: germline.
Comment: This sequence change replaces proline with alanine at codon 1839 of the SZT2 protein (p.Pro1839Ala). The proline residue is highly conserved and there is a small physicochemical difference between proline and alanine. This variant is present in population databases (rs758455492, ExAC 0.003%). This variant has not been reported in the literature in individuals affected with SZT2-related conditions. Algorithms developed to predict the effect of missense changes on protein structure and function output the following: SIFT: "Deleterious"; PolyPhen-2: "Probably Damaging"; Align-GVGD: "Class C25". The alanine amino acid residue is found in multiple mammalian species, which suggests that this missense change does not adversely affect protein function. In summary, the available evidence is currently insufficient to determine the role of this variant in disease. Therefore, it has been classified as a Variant of Uncertain Significance.